The following is an entry in ClinVar:

NM_001211.6(BUB1B):c.2647T>G (p.Leu883Val)

Gene: BUB1B (BUB1 mitotic checkpoint serine/threonine kinase B; plus strand). Cytogenetic location: 15q15.1.
Variant type: single nucleotide variant.
Coding change: c.2647T>G on transcript NM_001211.6 (MANE Select); coding-DNA position 2647, T replaced by G.
Protein change: p.Leu883Val; replaces leucine 883 with valine.
Molecular consequence: missense variant.
Genome position (GRCh38, 1-based): chr15:40,213,443, T>G. VCF-style: chr15-40213443-T-G. GRCh37 (hg19) VCF-style: chr15-40505644-T-G.
Other names: short protein forms L883V.
Identifiers: ClinVar variation 2565463 (VCV002565463.2), dbSNP rs2542577122, ClinGen allele CA391686486.

ClinVar aggregate classification (germline): Uncertain significance (1 of 4 stars; one submission).

Conditions:
Inborn genetic diseases. Identifiers: MedGen C0950123, MeSH D030342.

Submission:

Ambry Genetics
Classification: Uncertain significance for Inborn genetic diseases. Last evaluated: 2023-05-13. Review status: criteria provided, single submitter. Criteria: Ambry Variant Classification Scheme 2023. Collection method: clinical testing. Allele origin: germline.
Comment: The p.L883V variant (also known as c.2647T>G), located in coding exon 20 of the BUB1B gene, results from a T to G substitution at nucleotide position 2647. The leucine at codon 883 is replaced by valine, an amino acid with highly similar properties. This amino acid position is conserved. In addition, the in silico prediction for this alteration is inconclusive. Since supporting evidence is limited at this time, the clinical significance of this alteration remains unclear.